The following is an entry in ClinVar:

NM_015629.4(PRPF31):c.1074-6C>A

Gene: PRPF31 (pre-mRNA processing factor 31; plus strand). Cytogenetic location: 19q13.42.
Variant type: single nucleotide variant.
Coding change: c.1074-6C>A on transcript NM_015629.4 (MANE Select); 6 bases into the intron before coding-DNA position 1074, C replaced by A.
Molecular consequence: intron variant.
Genome position (GRCh38, 1-based): chr19:54,128,299, C>A. VCF-style: chr19-54128299-C-A. GRCh37 (hg19) VCF-style: chr19-54631674-C-A.
Identifiers: ClinVar variation 330103 (VCV000330103.14), dbSNP rs587594853, ClinGen allele CA309329515.

ClinVar aggregate classification (germline): Likely benign. Review status: criteria provided, multiple submitters, no conflicts (2 of 4 stars). 3 submissions from 3 submitters: Likely benign (3). Last evaluated 2025-07-14.

Conditions:
Retinitis pigmentosa (RP). Identifiers: Orphanet 791, MedGen C0035334, MeSH D012174, MONDO:0019200, OMIM 268000. Inheritance: Autosomal dominant, autosomal recessive and X linked inheritance.

Allele frequency attached by ClinVar (database versions not stated): gnomAD exomes 0.00005 and 0.00008; TOPMed 0.00014; ExAC 0.00017; gnomAD 0.00017; 1000 Genomes Project 0.00040; 1000 Genomes Project 30x 0.00047.
gnomAD v4.1: 102 of 1,547,816 alleles (0.0066%); highest among the groups gnomAD compares: Middle Eastern, 0.22%; 2 homozygotes.

Submissions (4):

Labcorp Genetics (formerly Invitae), Labcorp
Classification: Likely benign. Last evaluated: 2025-07-14. Review status: criteria provided, single submitter. Criteria: Invitae Variant Classification Sherloc (09022015). Collection method: clinical testing. Allele origin: germline.

Blueprint Genetics
Classification: Likely benign. Last evaluated: 2024-09-24. Review status: criteria provided, single submitter. Criteria: ACMG Guidelines, 2015. Collection method: clinical testing. Allele origin: germline.

Illumina Laboratory Services, Illumina
Classification: Likely benign for Retinitis pigmentosa. Last evaluated: 2018-01-12. Review status: criteria provided, single submitter. Criteria: ICSL Variant Classification Criteria 13 December 2019. Collection method: clinical testing. Allele origin: germline.
Comment: This variant was observed in the ICSL laboratory as part of a predisposition screen in an ostensibly healthy population. It had not been previously curated by ICSL or reported in the Human Gene Mutation Database (HGMD: prior to June 1st, 2018), and was therefore a candidate for classification through an automated scoring system. Utilizing variant allele frequency, disease prevalence and penetrance estimates, and inheritance mode, an automated score was calculated to assess if this variant is too frequent to cause the disease. Based on the score and internal cut-off values, a variant classified as likely benign is not then subjected to further curation. The score for this variant resulted in a classification of likely benign for this disease.

Dr. Peter K. Rogan Lab, Western University
No classification provided (evidence only). Condition: Ovarian serous cystadenocarcinoma. Review status: no classification provided. Collection method: in vitro. Allele origin: not applicable. Functional consequence: retained intron. Not counted in ClinVar's aggregate classification.